The following is an entry in ClinVar:

NM_000088.4(COL1A1):c.3480C>T (p.Gly1160=)

Gene: COL1A1 (collagen type I alpha 1 chain; minus strand). Cytogenetic location: 17q21.33.
Variant type: single nucleotide variant.
Coding change: c.3480C>T on transcript NM_000088.4 (MANE Select); coding-DNA position 3480, C replaced by T.
Protein change: p.Gly1160=; no amino-acid change (glycine 1160 retained).
Molecular consequence: synonymous variant.
Genome position (GRCh38, 1-based): chr17:50,187,066, G>A on the plus strand (C>T on the coding strand, the complement: COL1A1 is on the minus strand). VCF-style: chr17-50187066-G-A. GRCh37 (hg19) VCF-style: chr17-48264427-G-A.
Identifiers: ClinVar variation 4005096 (VCV004005096.3).

ClinVar aggregate classification (germline): Likely benign. Review status: criteria provided, multiple submitters, no conflicts (2 of 4 stars). 3 submissions from 3 submitters: Likely benign (3). Last evaluated 2025-10-01.

Conditions:
COL1A1-related disorder. Also called: COL1A1- related disease; COL1A1-related condition.
Cardiovascular phenotype. Identifiers: MedGen CN230736.
Osteogenesis imperfecta type I (OI1). Also called: OI, TYPE I; OSTEOGENESIS IMPERFECTA TARDA; OSTEOGENESIS IMPERFECTA WITH BLUE SCLERAE; Osteogenesis imperfecta type 1; Lobstein's Disease; Lobstein disease. Identifiers: Orphanet 216796, Orphanet 666, MedGen C0023931, MONDO:0008146, OMIM 166200. Disease mechanism: loss of function.

gnomAD v4.1: 2 of 1,613,748 alleles (0.00012%); highest among the groups gnomAD compares: Non-Finnish European, 0.00017%; no homozygotes.

Submissions (3):

Labcorp Genetics (formerly Invitae), Labcorp
Classification: Likely benign for Osteogenesis imperfecta type I. Last evaluated: 2025-10-01. Review status: criteria provided, single submitter. Criteria: Invitae Variant Classification Sherloc (09022015). Collection method: clinical testing. Allele origin: germline.

Ambry Genetics
Classification: Likely benign for Cardiovascular phenotype. Last evaluated: 2025-04-05. Review status: criteria provided, single submitter. Criteria: Ambry Variant Classification Scheme 2023. Collection method: clinical testing. Allele origin: germline.

PreventionGenetics, part of Exact Sciences
Classification: Likely benign for COL1A1-related condition. Last evaluated: 2025-01-06. Review status: criteria provided, single submitter. Criteria: ACMG Guidelines, 2015. Collection method: clinical testing. Allele origin: germline.
Comment: This variant is classified as likely benign based on ACMG/AMP sequence variant interpretation guidelines (Richards et al. 2015 PMID: 25741868, with internal and published modifications).